The following is an entry in ClinVar:

NM_001127649.3(PEX26):c.353C>A (p.Pro118His)

Gene: PEX26 (peroxisomal biogenesis factor 26; plus strand). Cytogenetic location: 22q11.21.
Variant type: single nucleotide variant.
Coding change: c.353C>A on transcript NM_001127649.3 (MANE Select); coding-DNA position 353, C replaced by A.
Protein change: p.Pro118His; replaces proline 118 with histidine.
Molecular consequence: missense variant.
Genome position (GRCh38, 1-based): chr22:18,079,996, C>A. VCF-style: chr22-18079996-C-A. GRCh37 (hg19) VCF-style: chr22-18562762-C-A.
Other names: c.353C>A, p.Pro118His (NM_001199319.2, NM_017929.6); short protein forms P118H.
Identifiers: ClinVar variation 1392518 (VCV001392518.6), dbSNP rs61752135, ClinGen allele CA410265927.

ClinVar aggregate classification (germline): Uncertain significance. Review status: criteria provided, multiple submitters, no conflicts (2 of 4 stars). 2 submissions from 2 submitters: Uncertain significance (2). Last evaluated 2024-08-23.

Conditions:
Peroxisome biogenesis disorder 7A (Zellweger). Also called: Peroxisome biogenesis disorder 7A. Identifiers: Orphanet 912, MedGen C3888385, MONDO:0013938, OMIM 614872.
Peroxisome biogenesis disorder 7B (PBD7B). Identifiers: Orphanet 44, MedGen C3553951, MONDO:0013939, OMIM 614873.

gnomAD v4.1: 11 of 1,614,070 alleles (0.00068%); highest among the groups gnomAD compares: South Asian, 0.0011%; no homozygotes.

Submissions (2):

Blueprint Genetics
Classification: Uncertain significance. Last evaluated: 2024-08-23. Review status: criteria provided, single submitter. Criteria: ACMG Guidelines, 2015. Collection method: clinical testing. Allele origin: germline.

Labcorp Genetics (formerly Invitae), Labcorp
Classification: Uncertain significance for Peroxisome biogenesis disorder 7A (Zellweger); Peroxisome biogenesis disorder 7B. Last evaluated: 2022-10-24. Review status: criteria provided, single submitter. Criteria: Invitae Variant Classification Sherloc (09022015). Collection method: clinical testing. Allele origin: germline.
Comment: This sequence change replaces proline, which is neutral and non-polar, with histidine, which is basic and polar, at codon 118 of the PEX26 protein (p.Pro118His). This variant is not present in population databases (gnomAD no frequency). This variant has not been reported in the literature in individuals affected with PEX26-related conditions. ClinVar contains an entry for this variant (Variation ID: 1392518). Advanced modeling of protein sequence and biophysical properties (such as structural, functional, and spatial information, amino acid conservation, physicochemical variation, residue mobility, and thermodynamic stability) performed at Invitae indicates that this missense variant is expected to disrupt PEX26 protein function. In summary, the available evidence is currently insufficient to determine the role of this variant in disease. Therefore, it has been classified as a Variant of Uncertain Significance.